The following is an entry in ClinVar:

ClinVar aggregate classification (germline): Uncertain significance (1 of 4 stars; one submission).

Conditions:
Alpha thalassemia-X-linked intellectual disability syndrome (ATRX). Also called: ALPHA-THALASSEMIA/MENTAL RETARDATION SYNDROME, X-LINKED; ATR, NONDELETION TYPE; ATR-X syndrome; Alpha thalassemia mental retardation syndrome, nondeletion type, X-linked; XLMR hypotonic face syndrome; X-linked alpha-thalassemia-mental retardation syndrome. Identifiers: Orphanet 847, MedGen C1845055, MONDO:0010519, OMIM 301040.

Submission:

Laboratorio de Genetica e Diagnostico Molecular, Hospital Israelita Albert Einstein
Classification: Uncertain significance for Alpha thalassemia-X-linked intellectual disability syndrome. Last evaluated: 2022-07-07. Review status: criteria provided, single submitter. Criteria: ACMG Guidelines, 2015. Collection method: clinical testing. Allele origin: germline. Affected: yes.
Comment: ACMG classification criteria: PM2 moderated, PP2 supporting

NM_000489.6(ATRX):c.6227A>C (p.Lys2076Thr)

Gene: ATRX (ATRX chromatin remodeler; minus strand). Cytogenetic location: Xq21.1.
Variant type: single nucleotide variant.
Coding change: c.6227A>C on transcript NM_000489.6 (MANE Select); coding-DNA position 6227, A replaced by C.
Protein change: p.Lys2076Thr; replaces lysine 2076 with threonine.
Molecular consequence: missense variant.
Genome position (GRCh38, 1-based): chrX:77,574,349, T>G on the plus strand (A>C on the coding strand, the complement: ATRX is on the minus strand). VCF-style: chrX-77574349-T-G. GRCh37 (hg19) VCF-style: chrX-76829814-T-G.
Other names: c.6113A>C, p.Lys2038Thr (NM_138270.5); short protein forms K2038T, K2076T.
Identifiers: ClinVar variation 2431853 (VCV002431853.2), dbSNP rs2065529683, ClinGen allele CA413701272.